The following is an entry in ClinVar:

NM_004999.4(MYO6):c.2534C>T (p.Thr845Ile)

Gene: MYO6 (myosin VI; plus strand). Cytogenetic location: 6q14.1.
Variant type: single nucleotide variant.
Coding change: c.2534C>T on transcript NM_004999.4 (MANE Select); coding-DNA position 2534, C replaced by T.
Protein change: p.Thr845Ile; replaces threonine 845 with isoleucine.
Molecular consequence: missense variant. On other transcripts: non-coding transcript variant (1).
Genome position (GRCh38, 1-based): chr6:75,886,870, C>T. VCF-style: chr6-75886870-C-T. GRCh37 (hg19) VCF-style: chr6-76596587-C-T.
Other names: c.2534C>T, p.Thr845Ile (NM_001300899.2, NM_001368136.1, NM_001368137.1 and 2 more transcripts); c.2519C>T, p.Thr840Ile (NM_001368138.1); short protein forms T845I, T840I.
Identifiers: ClinVar variation 45144 (VCV000045144.58), dbSNP rs55662069, ClinGen allele CA135609.
Genomic context (GRCh38, chr6:75,886,870, plus strand): 5'-GAAATTAAGCTCTAATGAAGTATTATTTTTACAGCATTGATGGTCTGGTTAAGGTGGGCA[C>T]ACTGAAAAAACGACTTGATAAATTTAATGAGGTAGTCAGTGTGTTGAAAGATGGAAAACC-3'
Protein context (NP_004990.3, residues 835-855): PRIDGLVKVG[Thr845Ile]LKKRLDKFNE

ClinVar aggregate classification (germline): Conflicting classifications of pathogenicity. Review status: criteria provided, conflicting classifications (1 of 4 stars). 12 submissions from 11 submitters: Uncertain significance (1); Benign (3); Likely benign (5). 3 of the submissions do not count toward it. Last evaluated 2026-07-01.

Conditions:
MYO6-related disorder. Also called: MYO6-related condition; MYO6-related disorders.
Obesity. Also called: Obesity disorder. Identifiers: Orphanet 71529, MedGen C0028754, MeSH D009765, MONDO:0011122, HP:0001513.
Autosomal dominant nonsyndromic hearing loss 22. Also called: Autosomal dominant nonsyndromic deafness 22; DFNA 22. Identifiers: Orphanet 228012, MedGen C2931767, MONDO:0011660, OMIM 606346.
Autosomal recessive nonsyndromic hearing loss 37. Identifiers: Orphanet 90636, MedGen C1843028, MONDO:0011912, OMIM 607821.

Allele frequency attached by ClinVar (database versions not stated): 1000 Genomes Project 30x 0.00125; ExAC 0.00243; TOPMed 0.00304; gnomAD 0.00305 and 0.00322; gnomAD exomes 0.00437 and 0.00256; 1000 Genomes Project 0.00140; ESP Exome Variant Server 0.00454.
gnomAD v4.1: 6,781 of 1,613,346 alleles (0.42%); highest among the groups gnomAD compares: Non-Finnish European, 0.53%; 15 homozygotes.

Submissions (12):

CeGaT Center for Human Genetics Tuebingen
Classification: Likely benign. Last evaluated: 2026-07-01. Review status: criteria provided, single submitter. Criteria: CeGaT Center For Human Genetics Tuebingen Variant Classification Criteria Version 2. Collection method: clinical testing. Allele origin: germline. Affected: yes. Observed: 7 variant alleles.
Comment: MYO6: BS2

Labcorp Genetics (formerly Invitae), Labcorp
Classification: Likely benign. Last evaluated: 2025-12-30. Review status: criteria provided, single submitter. Criteria: Invitae Variant Classification Sherloc (09022015). Collection method: clinical testing. Allele origin: germline.

Blueprint Genetics
Classification: Likely benign. Last evaluated: 2024-11-26. Review status: criteria provided, single submitter. Criteria: ACMG Guidelines, 2015. Collection method: clinical testing. Allele origin: germline.

Cambridge Genomics Laboratory, East Genomic Laboratory Hub, NHS Genomic Medicine Service
Classification: Likely benign for Obesity. Last evaluated: 2020-03-20. Review status: criteria provided, single submitter. Criteria: ACGS Best Practice Guidelines for Variant Classification in Rare Disease 2020. Collection method: clinical testing. Allele origin: germline. Affected: yes. Observed: 1 variant allele.

GeneDx
Classification: Benign. Last evaluated: 2019-10-31. Review status: criteria provided, single submitter. Criteria: GeneDx Variant Classification Process June 2021. Collection method: clinical testing. Allele origin: germline. Affected: yes.
Comment: This variant is associated with the following publications: (PMID: 18212818, 30180840)

Illumina Laboratory Services, Illumina
Classification: Benign for Autosomal dominant nonsyndromic hearing loss 22. Last evaluated: 2017-06-20. Review status: criteria provided, single submitter. Criteria: ICSL Variant Classification Criteria 13 December 2019. Collection method: clinical testing. Allele origin: germline.
Comment: This variant was observed as part of a predisposition screen in an ostensibly healthy population. A literature search was performed for the gene, cDNA change, and amino acid change (where applicable). Publications were found based on this search. The evidence from the literature, in combination with allele frequency data from public databases where available, was sufficient to rule this variant out of causing disease. Therefore, this variant is classified as benign.

Illumina Laboratory Services, Illumina
Classification: Uncertain significance for Autosomal recessive nonsyndromic hearing loss 37. Last evaluated: 2017-04-27. Review status: criteria provided, single submitter. Criteria: ICSL Variant Classification Criteria 13 December 2019. Collection method: clinical testing. Allele origin: germline.

Eurofins Ntd Llc (ga)
Classification: Likely benign. Last evaluated: 2015-10-20. Review status: criteria provided, single submitter. Criteria: EGL Classification Definitions 2015. Collection method: clinical testing. Allele origin: germline. Observed: 1 variant allele, 1 heterozygote.

Laboratory for Molecular Medicine, Mass General Brigham Personalized Medicine
Classification: Benign. Last evaluated: 2015-05-14. Review status: criteria provided, single submitter. Criteria: LMM Criteria. Collection method: clinical testing. Allele origin: germline. Observed: 11 variant alleles.
Comment: p.Thr845Ile in exon 25 of MYO6: This variant is not expected to have clinical si gnificance because it has been identified in 0.4% (266/66676) of European chromo somes by the Exome Aggregation Consortium (ExAC; dbSNP rs55662069).

PreventionGenetics, part of Exact Sciences
Classification: Likely benign for MYO6-related condition. Last evaluated: 2020-12-10. Review status: no assertion criteria provided. Collection method: clinical testing. Allele origin: germline. Not counted in ClinVar's aggregate classification.
Comment: This variant is classified as likely benign based on ACMG/AMP sequence variant interpretation guidelines (Richards et al. 2015 PMID: 25741868, with internal and published modifications).

Clinical Genetics DNA and cytogenetics Diagnostics Lab, Erasmus MC, Erasmus Medical Center
Classification: Likely benign. Review status: no assertion criteria provided. Collection method: clinical testing. Allele origin: germline. Affected: yes. Study: VKGL Data-share Consensus. Not counted in ClinVar's aggregate classification.

Genome Diagnostics Laboratory, University Medical Center Utrecht
Classification: Likely benign. Review status: no assertion criteria provided. Collection method: clinical testing. Allele origin: germline. Affected: yes. Study: VKGL Data-share Consensus. Not counted in ClinVar's aggregate classification.

Literature cited by the submitters: PubMed 18212818 (cited by Illumina Laboratory Services, Illumina).